The following is an entry in ClinVar:

ClinVar aggregate classification (germline): Pathogenic/Likely pathogenic. Review status: criteria provided, multiple submitters, no conflicts (2 of 4 stars). 14 submissions from 14 submitters: Pathogenic (10); Likely pathogenic (2). 2 of the submissions do not count toward it. Last evaluated 2025-12-19.

Conditions:
Global developmental delay (DD). Also called: Cognitive delay. Identifiers: MedGen C0557874, HP:0001263. Disease mechanism: loss of function.
Generalized epilepsy. Identifiers: MedGen C0014548, MONDO:0100574.
Obesity. Also called: Obesity disorder. Identifiers: Orphanet 71529, MedGen C0028754, MeSH D009765, MONDO:0011122, HP:0001513.
Inborn genetic diseases. Identifiers: MedGen C0950123, MeSH D030342.
Hereditary spastic paraplegia. Also called: Familial spastic paraparesis. Identifiers: Orphanet 685, MedGen C0037773, MONDO:0019064. Disease mechanism: loss of function.
Hereditary spastic paraplegia 54. Also called: Spastic paraplegia 54, autosomal recessive. Identifiers: Orphanet 320380, MedGen C3539495, MONDO:0014018, OMIM 615033.

Allele frequency attached by ClinVar (database versions not stated): TOPMed 0.00005; gnomAD 0.00006 and 0.00007; gnomAD exomes 0.00006 and 0.00014; ExAC 0.00008; ESP Exome Variant Server 0.00008.
gnomAD v4.1: 214 of 1,614,104 alleles (0.013%); highest among the groups gnomAD compares: Non-Finnish European, 0.017%; no homozygotes.

Submissions (14):

GeneDx
Classification: Pathogenic. Last evaluated: 2025-12-19. Review status: criteria provided, single submitter. Criteria: GeneDx Variant Classification Process June 2021. Collection method: clinical testing. Allele origin: germline. Affected: yes.
Comment: Published functional studies demonstrate a damaging effect; the D660H variant demonstrates a reduction in phospholipase A1 activity (PMID: 25417924); Not observed at significant frequency in large population cohorts (gnomAD); In silico analysis supports that this missense variant has a deleterious effect on protein structure/function; This variant is associated with the following publications: (PMID: 33084218, 37420318, 34983064, 23176823, 24337409, 25417924, 24517879, 31302745, 27535533, 41028912)

Labcorp Genetics (formerly Invitae), Labcorp
Classification: Pathogenic for Hereditary spastic paraplegia 54. Last evaluated: 2025-09-04. Review status: criteria provided, single submitter. Criteria: Invitae Variant Classification Sherloc (09022015). Collection method: clinical testing. Allele origin: germline.
Comment: This sequence change replaces aspartic acid, which is acidic and polar, with histidine, which is basic and polar, at codon 660 of the DDHD2 protein (p.Asp660His). This variant is present in population databases (rs375168720, gnomAD 0.01%). This missense change has been observed in individual(s) with hereditary spastic paraplegia with thin corpus callosum (PMID: 23176823, 24337409, 24517879). In at least one individual the data is consistent with being in trans (on the opposite chromosome) from a pathogenic variant. It has also been observed to segregate with disease in related individuals. ClinVar contains an entry for this variant (Variation ID: 39679). Invitae Evidence Modeling of protein sequence and biophysical properties (such as structural, functional, and spatial information, amino acid conservation, physicochemical variation, residue mobility, and thermodynamic stability) indicates that this missense variant is expected to disrupt DDHD2 protein function with a positive predictive value of 80%. Experimental studies have shown that this missense change affects DDHD2 function (PMID: 25417924). For these reasons, this variant has been classified as Pathogenic.

Ambry Genetics
Classification: Pathogenic for Inborn genetic diseases. Last evaluated: 2024-08-26. Review status: criteria provided, single submitter. Criteria: Ambry Variant Classification Scheme 2023. Collection method: clinical testing. Allele origin: germline.
Comment: The c.1978G>C (p.D660H) alteration is located in exon 16 (coding exon 15) of the DDHD2 gene. This alteration results from a G to C substitution at nucleotide position 1978, causing the aspartic acid (D) at amino acid position 660 to be replaced by a histidine (H). Based on data from gnomAD, the C allele has an overall frequency of 0.006% (18/282874) total alleles studied. The highest observed frequency was 0.011% (14/129178) of European (non-Finnish) alleles. This variant has been identified in the homozygous state and/or in conjunction with other DDHD2 variant(s) in individual(s) with features consistent with DDHD2-related spastic paraplegia, and segregated with disease in a family/families; in at least one instance, the variants were identified in trans (Schuurs-Hoeijmakers, 2012; Citterio, 2014; Magariello, 2014; Nicita, 2019). This amino acid position is highly conserved in available vertebrate species. In multiple assays testing DDHD2 function, this variant showed functionally abnormal results (Doi, 2014; Chou, 2023). This alteration is predicted to be deleterious by in silico analysis. Based on the available evidence, this alteration is classified as pathogenic.

3billion
Classification: Pathogenic for Hereditary spastic paraplegia 54. Last evaluated: 2024-07-31. Review status: criteria provided, single submitter. Criteria: ACMG Guidelines, 2015. Collection method: clinical testing. Allele origin: germline. Affected: yes.
Comment: The variant is observed at an extremely low frequency in the gnomAD v4.0.0 dataset (total allele frequency: 0.013%). Predicted Consequence/Location: The majority of the known disease-causing variants of this gene are variants expected to result in premature termination of the protein. Functional studies provide moderate evidence of the variant having a damaging effect on the gene or gene product (PMID: 25417924). In silico tool predictions suggest damaging effect of the variant on gene or gene product [REVEL: 0.90 (>=0.6, sensitivity 0.68 and specificity 0.92); 3Cnet: 0.73 (>=0.6, sensitivity 0.72 and precision 0.9)]. The same nucleotide change resulting in the same amino acid change has been previously reported as pathogenic/likely pathogenic with strong evidence (ClinVar ID: VCV000039679 /PMID: 23176823). Therefore, this variant is classified as Pathogenic according to the recommendation of ACMG/AMP guideline.

University of Science and Technology Houari Boumediene, Laboratory of Molecular and Cellular Biology (LBCM)
Classification: Pathogenic for Hereditary spastic paraplegia 54. Last evaluated: 2024-04-22. Review status: criteria provided, single submitter. Criteria: ACMG Guidelines, 2015. Collection method: research. Allele origin: biparental. Inheritance: Autosomal recessive inheritance. Affected: yes. Observed: 2 variant alleles, 2 homozygotes. Clinical features observed: Spastic paraplegia (HP:0001258), Intellectual disability (HP:0001249), Dysarthria (HP:0001260), Thin corpus callosum (HP:0033725), Clubfoot (HP:0001762), Distal lower limb amyotrophy (HP:0008944).
Comment: This missense variant leads to the substitution of a highly conserved aspartic acid (found in 12 species) within the DDHD domain of the DDHD2 protein with histidine. Amino acid alignments were generated using Alamut® Visual v.2.15 software (Interactive Biosoftware, SOPHiA GENETICS). This variant is predicted to be disease-causing by standard in silico prediction tools (CADD, SIFT, PolyPhen-2, and MutationTaster). ClinVar contains an entry for this variant (Variation ID: 39679), it’s classified as pathogenic. This variant is not reported in the 1000 Genomes Project but is present at a low frequency in the gnomAD database [AF = 6.1e-5]. Complete co-segregation between the variant allele and the disease distribution was observed in the patients’ family. This variant was identified in the homozygous state in two affected siblings and was present in the heterozygous state in the unaffected parents. This variant is associated with the following publications: (PMID: 23176823, 24337409, 24517879, 30564185, 31302745, 25417924)

Women's Health and Genetics/Laboratory Corporation of America, LabCorp
Classification: Pathogenic for Hereditary spastic paraplegia 54. Last evaluated: 2023-06-07. Review status: criteria provided, single submitter. Criteria: LabCorp Variant Classification Summary - May 2015. Collection method: clinical testing. Allele origin: germline.
Comment: Variant summary: DDHD2 c.1978G>C (p.Asp660His) results in a non-conservative amino acid change located in the DDHD domain (IPR004177) of the encoded protein sequence. Five of five in-silico tools predict a damaging effect of the variant on protein function. The variant allele was found at a frequency of 6e-05 in 251466 control chromosomes (gnomAD). The available data on variant occurrences in the general population are insufficient to allow any conclusion about variant significance. c.1978G>C has been reported in the literature in multiple compound heterozygous and homozygous individuals affected with Hereditary Spastic Paraplegia 54, and the variant was shown to segregate with disease in related individuals (e.g., Schuurs-Hoeijmakers_2012, Citterio_2015). These data indicate that the variant is very likely to be associated with disease. The following publications have been ascertained in the context of this evaluation (PMID: 24337409, 23176823). Six ClinVar submitters (evaluation after 2014) have cited the variant, and all submitters classified the variant as pathogenic (n = 4) or likely pathogenic (n = 2). Based on the evidence outlined above, the variant was classified as pathogenic.

MGZ Medical Genetics Center
Classification: Likely pathogenic for Hereditary spastic paraplegia 54. Last evaluated: 2022-05-30. Review status: criteria provided, single submitter. Criteria: ACMG Guidelines, 2015. Collection method: clinical testing. Allele origin: germline. Affected: yes. Observed: 1 variant allele.
Comment: ACMG criteria applied: PS4_MOD, PM3, PM2_SUP, PP3

Genome Diagnostics Laboratory, The Hospital for Sick Children
Classification: Pathogenic for Hereditary spastic paraplegia. Last evaluated: 2019-05-17. Review status: criteria provided, single submitter. Criteria: ACMG Guidelines, 2015. Collection method: clinical testing. Allele origin: germline. Affected: yes.

Claritas Genomics
Classification: Pathogenic for Generalized epilepsy; Obesity. Last evaluated: 2016-11-28. Review status: criteria provided, single submitter. Criteria: ACMG Guidelines, 2015. Collection method: clinical testing. Allele origin: maternal. Affected: yes.
Comment: The c.1978G>C (p.Asp660His) missense variant in the DDHD2 gene is previously reported in the literature and is expected to be causative of hereditary spastic paraplegia when present in the homozygous or compound heterozygous state. DDHD2 encodes a protein that makes up a subunit of the enzyme phospholipase A1 (PLA1). This variant has been reported in multiple affected individuals in the compound heterozygous or homozygous state and has been shown to segregate with disease in families. In vitro functional studies on cell lines with this variant demonstrated significantly reduced PLA1 activity when compared to that of wild type cell lines. This variant involves a highly conserved nucleotide and amino acid, and it is predicted to be damaging by PolyPhen-2, SIFT, and MutationTaster. Therefore, based on prior reports in the literature and functional evidence, this variant is classified as pathogenic.

Centre for Mendelian Genomics, University Medical Centre Ljubljana
Classification: Likely pathogenic for Hereditary spastic paraplegia 54. Last evaluated: 2016-01-01. Review status: criteria provided, single submitter. Criteria: ACMG Guidelines, 2015. Collection method: clinical testing. Allele origin: unknown. Affected: yes.
Comment: This variant was classified as: Likely pathogenic. The following ACMG criteria were applied in classifying this variant: PS3,PM2,PP3,PP5.

Consultorio y Laboratorio de Neurogenética, Hospital JM Ramos Mejia
Classification: Pathogenic for Hereditary spastic paraplegia 54. Review status: criteria provided, single submitter. Criteria: Perez et al. (J Hum Genet. 2020). Collection method: clinical testing. Allele origin: unknown. Inheritance: Autosomal recessive inheritance. Affected: yes. Observed: 1 compound heterozygote.

Paris Brain Institute, Inserm - ICM
Classification: Pathogenic for Hereditary spastic paraplegia 54. Review status: criteria provided, single submitter. Criteria: ACMG Guidelines, 2015. Collection method: clinical testing. Allele origin: unknown. Affected: yes. Observed: 6 variant alleles.

OMIM
Classification: Pathogenic for SPASTIC PARAPLEGIA 54, AUTOSOMAL RECESSIVE. Last evaluated: 2012-12-07. Review status: no assertion criteria provided. Collection method: literature only. Allele origin: germline. Not counted in ClinVar's aggregate classification.

Clinical Genetics DNA and cytogenetics Diagnostics Lab, Erasmus MC, Erasmus Medical Center
Classification: Likely pathogenic. Review status: no assertion criteria provided. Collection method: clinical testing. Allele origin: germline. Affected: yes. Study: VKGL Data-share Consensus. Not counted in ClinVar's aggregate classification.

Literature cited by the submitters: PubMed 23176823 (cited by 6 submitters); PubMed 24337409 (cited by 4 submitters); PubMed 24517879 (cited by 3 submitters); PubMed 25417924 (cited by 4 submitters); PubMed 31302745 (cited by Ambry Genetics); PubMed 37420318 (cited by Ambry Genetics).

NM_015214.3(DDHD2):c.1978G>C (p.Asp660His)

Gene: DDHD2 (DDHD domain containing 2; plus strand). Cytogenetic location: 8p11.23.
Variant type: single nucleotide variant.
Coding change: c.1978G>C on transcript NM_015214.3 (MANE Select); coding-DNA position 1978, G replaced by C.
Protein change: p.Asp660His; replaces aspartic acid 660 with histidine.
Molecular consequence: missense variant. On other transcripts: non-coding transcript variant (2).
Genome position (GRCh38, 1-based): chr8:38,253,642, G>C. VCF-style: chr8-38253642-G-C. GRCh37 (hg19) VCF-style: chr8-38111160-G-C.
Other names: c.1978G>C, p.Asp660His (NM_001164232.2, NM_001362911.2, NM_001362912.2 and 1 more transcripts); c.1888G>C, p.Asp630His (NM_001362913.2); short protein forms D660H, D630H.
Identifiers: ClinVar variation 39679 (VCV000039679.31), dbSNP rs375168720, ClinGen allele CA130449.